The following is an entry in ClinVar:

ClinVar aggregate classification (germline): Uncertain significance (1 of 4 stars; one submission).

Conditions:
Familial focal epilepsy with variable foci (FPEVF). Identifiers: Orphanet 98820, MedGen C1858477, MONDO:0020310.

Allele frequency attached by ClinVar (database versions not stated): gnomAD exomes below 0.00001; gnomAD 0.00004; TOPMed 0.00004; ESP Exome Variant Server 0.00008.
gnomAD v4.1: 7 of 1,612,518 alleles (0.00043%); highest among the groups gnomAD compares: African/African-American, 0.0093%; no homozygotes.

Submission:

Labcorp Genetics (formerly Invitae), Labcorp
Classification: Uncertain significance for Familial focal epilepsy with variable foci. Last evaluated: 2024-05-15. Review status: criteria provided, single submitter. Criteria: Invitae Variant Classification Sherloc (09022015). Collection method: clinical testing. Allele origin: germline.
Comment: This sequence change replaces glycine, which is neutral and non-polar, with glutamic acid, which is acidic and polar, at codon 1220 of the DEPDC5 protein (p.Gly1220Glu). The frequency data for this variant in the population databases is considered unreliable, as metrics indicate poor data quality at this position in the gnomAD database. This variant has not been reported in the literature in individuals affected with DEPDC5-related conditions. ClinVar contains an entry for this variant (Variation ID: 568362). Experimental studies and prediction algorithms are not available or were not evaluated, and the functional significance of this variant is currently unknown. In summary, the available evidence is currently insufficient to determine the role of this variant in disease. Therefore, it has been classified as a Variant of Uncertain Significance.

NM_001242896.3(DEPDC5):c.3659G>A (p.Gly1220Glu)

Gene: DEPDC5 (DEP domain containing 5, GATOR1 subcomplex subunit; plus strand). Cytogenetic location: 22q12.3.
Variant type: single nucleotide variant.
Coding change: c.3659G>A on transcript NM_001242896.3 (MANE Select); coding-DNA position 3659, G replaced by A.
Protein change: p.Gly1220Glu; replaces glycine 1220 with glutamic acid.
Molecular consequence: missense variant. On other transcripts: non-coding transcript variant (4).
Genome position (GRCh38, 1-based): chr22:31,874,368, G>A. VCF-style: chr22-31874368-G-A. GRCh37 (hg19) VCF-style: chr22-32270354-G-A.
Other names: c.3632G>A, p.Gly1211Glu (NM_001136029.4); c.3359G>A, p.Gly1120Glu (NM_001242897.2); c.3593G>A, p.Gly1198Glu (NM_001363852.2, NM_001364320.2); c.3425G>A, p.Gly1142Glu (NM_001363854.2, NM_001364319.2); c.3659G>A, p.Gly1220Glu (NM_001364318.2); c.3575G>A, p.Gly1192Glu (NM_001369901.1, NM_001369902.1); c.3566G>A, p.Gly1189Glu (NM_001369903.1, NM_014662.6); short protein forms G1220E, G1120E, G1189E, G1198E, G1192E, G1142E, G1211E.
Identifiers: ClinVar variation 568362 (VCV000568362.8), dbSNP rs374871448, ClinGen allele CA323337417.
Genomic context (GRCh38, chr22:31,874,368, plus strand): 5'-TCTCACCGTACTGCTTCATCAGCGCGGAGGTGGTACACTGGTTGGTGAACCACGTGGAGG[G>A]GATCCAGACACAGGCGATGGCCATTGACATCATGCAGGTGAGACAGCAAGAGGGGCCCAT-3'
Protein context (NP_001229825.1, residues 1210-1230): VVHWLVNHVE[Gly1220Glu]IQTQAMAIDI